The following is an entry in ClinVar:

NM_015721.3(GEMIN4):c.356T>C (p.Leu119Pro)

Gene: GEMIN4 (gem nuclear organelle associated protein 4; minus strand). Cytogenetic location: 17p13.3.
Variant type: single nucleotide variant.
Coding change: c.356T>C on transcript NM_015721.3 (MANE Select); coding-DNA position 356, T replaced by C.
Protein change: p.Leu119Pro; replaces leucine 119 with proline.
Molecular consequence: missense variant.
Genome position (GRCh38, 1-based): chr17:747,687, A>G on the plus strand (T>C on the coding strand, the complement: GEMIN4 is on the minus strand). VCF-style: chr17-747687-A-G. GRCh37 (hg19) VCF-style: chr17-650927-A-G.
Other names: short protein forms L119P.
Identifiers: ClinVar variation 1969412 (VCV001969412.5), dbSNP rs1190040171, ClinGen allele CA397510412.
Genomic context (GRCh38, chr17:747,687, plus strand): 5'-GCATGGCAGATGGTGGTGGGCAGGGCCATCAGGAGCTGGATAAAGAGTCCAGAAGCTTCC[A>G]GGGATTTGAGCAGCTCGAAGAGGATGGTGTGGTTGATGGTGGGGATCATGTTGCCCACCG-3'
Protein context (NP_056536.2, residues 109-129): HTILFELLKS[Leu119Pro]EASGLFIQLL

ClinVar aggregate classification (germline): Uncertain significance (1 of 4 stars; one submission).

Allele frequency attached by ClinVar (database versions not stated): gnomAD exomes 0.00001; gnomAD 0.00002; TOPMed 0.00002.

Submission:

Labcorp Genetics (formerly Invitae), Labcorp
Classification: Uncertain significance. Last evaluated: 2022-03-25. Review status: criteria provided, single submitter. Criteria: Invitae Variant Classification Sherloc (09022015). Collection method: clinical testing. Allele origin: germline.
Comment: In summary, the available evidence is currently insufficient to determine the role of this variant in disease. Therefore, it has been classified as a Variant of Uncertain Significance. Algorithms developed to predict the effect of missense changes on protein structure and function (SIFT, PolyPhen-2, Align-GVGD) all suggest that this variant is likely to be disruptive. This variant has not been reported in the literature in individuals affected with GEMIN4-related conditions. This variant is present in population databases (no rsID available, gnomAD 0.003%). This sequence change replaces leucine, which is neutral and non-polar, with proline, which is neutral and non-polar, at codon 119 of the GEMIN4 protein (p.Leu119Pro).